The following is an entry in ClinVar:

NM_014244.5(ADAMTS2):c.2465C>T (p.Pro822Leu)

Gene: ADAMTS2 (ADAM metallopeptidase with thrombospondin type 1 motif 2; minus strand). Cytogenetic location: 5q35.3.
Variant type: single nucleotide variant.
Coding change: c.2465C>T on transcript NM_014244.5 (MANE Select); coding-DNA position 2465, C replaced by T.
Protein change: p.Pro822Leu; replaces proline 822 with leucine.
Molecular consequence: missense variant.
Genome position (GRCh38, 1-based): chr5:179,128,111, G>A on the plus strand (C>T on the coding strand, the complement: ADAMTS2 is on the minus strand). VCF-style: chr5-179128111-G-A. GRCh37 (hg19) VCF-style: chr5-178555112-G-A.
Other names: c.2465C>T (NM_014244.4); short protein forms P822L.
Identifiers: ClinVar variation 1374496 (VCV001374496.6), dbSNP rs777107579, ClinGen allele CA3595536.
Genomic context (GRCh38, chr5:179,128,111, plus strand): 5'-TTCAGTGAGTCCTCATGGATCATGTATTTGTACGTCAGTGAGACCCGGGTGTCTCCCACC[G>A]GGATGACCTGTGCCAGCCCAAGAGCCTTGATGTGCCTGACCTGCCCTCCATGCTTCCTCC-3'
Protein context (NP_055059.2, residues 812-832): LHGTITVLVI[Pro822Leu]VGDTRVSLTY

ClinVar aggregate classification (germline): Uncertain significance. Review status: criteria provided, multiple submitters, no conflicts (2 of 4 stars). 2 submissions from 2 submitters: Uncertain significance (2). Last evaluated 2025-04-18.

Conditions:
Inborn genetic diseases. Identifiers: MedGen C0950123, MeSH D030342.
Ehlers-Danlos syndrome, dermatosparaxis type. Also called: EDS VIIC; Ehlers-Danlos syndrome, type VII, autosomal recessive; Dermatosparaxis. Identifiers: Orphanet 1901, MedGen C2700425, MONDO:0009161, OMIM 225410.

Allele frequency attached by ClinVar (database versions not stated): gnomAD exomes below 0.00001; ExAC 0.00001; TOPMed 0.00002.
gnomAD v4.1: 4 of 1,613,346 alleles (0.00025%); highest among the groups gnomAD compares: Non-Finnish European, 0.00034%; no homozygotes.

Submissions (2):

Ambry Genetics
Classification: Uncertain significance for Inborn genetic diseases. Last evaluated: 2025-04-18. Review status: criteria provided, single submitter. Criteria: Ambry Variant Classification Scheme 2023. Collection method: clinical testing. Allele origin: germline.

Labcorp Genetics (formerly Invitae), Labcorp
Classification: Uncertain significance for Ehlers-Danlos syndrome, dermatosparaxis type. Last evaluated: 2021-09-30. Review status: criteria provided, single submitter. Criteria: Invitae Variant Classification Sherloc (09022015). Collection method: clinical testing. Allele origin: germline.
Comment: This sequence change replaces proline with leucine at codon 822 of the ADAMTS2 protein (p.Pro822Leu). The proline residue is highly conserved and there is a moderate physicochemical difference between proline and leucine. This variant is present in population databases (rs777107579, ExAC 0.002%). This variant has not been reported in the literature in individuals with ADAMTS2-related conditions. Algorithms developed to predict the effect of missense changes on protein structure and function are either unavailable or do not agree on the potential impact of this missense change (SIFT: "Deleterious"; PolyPhen-2: "Benign"; Align-GVGD: "Class C65"). In summary, the available evidence is currently insufficient to determine the role of this variant in disease. Therefore, it has been classified as a Variant of Uncertain Significance.